The following is an entry in ClinVar:

ClinVar aggregate classification (germline): Uncertain significance. Review status: criteria provided, multiple submitters, no conflicts (2 of 4 stars). 2 submissions from 2 submitters: Uncertain significance (2). Last evaluated 2021-12-16.

Conditions:
Retinitis pigmentosa 10 (RP10). Identifiers: Orphanet 791, MedGen C1867299, MONDO:0008379, OMIM 180105.
Leber congenital amaurosis 11 (LCA11). Identifiers: Orphanet 65, MedGen C1840284, MONDO:0013454, OMIM 613837.

Allele frequency attached by ClinVar (database versions not stated): gnomAD exomes below 0.00001 and 0.00002; TOPMed below 0.00001; ExAC 0.00002.
gnomAD v4.1: 5 of 1,613,838 alleles (0.00031%); highest among the groups gnomAD compares: Admixed American, 0.0083%; no homozygotes.

Submissions (2):

Labcorp Genetics (formerly Invitae), Labcorp
Classification: Uncertain significance. Last evaluated: 2021-12-16. Review status: criteria provided, single submitter. Criteria: Invitae Variant Classification Sherloc (09022015). Collection method: clinical testing. Allele origin: germline.
Comment: This variant is present in population databases (rs747314543, gnomAD 0.01%). This protein extension has been observed in individual(s) with clinical features of inherited retinal dystrophy (Invitae). ClinVar contains an entry for this variant (Variation ID: 1040093). Experimental studies and prediction algorithms are not available or were not evaluated, and the functional significance of this variant is currently unknown. In summary, the available evidence is currently insufficient to determine the role of this variant in disease. Therefore, it has been classified as a Variant of Uncertain Significance. This sequence change disrupts the translational stop signal of the IMPDH1 mRNA. It is expected to extend the length of the IMPDH1 protein by 25 additional amino acid residues.

Fulgent Genetics
Classification: Uncertain significance for Retinitis pigmentosa 10; Leber congenital amaurosis 11. Last evaluated: 2021-08-06. Review status: criteria provided, single submitter. Criteria: ACMG Guidelines, 2015. Collection method: clinical testing. Allele origin: unknown.

NM_000883.4(IMPDH1):c.1800A>G (p.Ter600Trp)

Gene: IMPDH1 (inosine monophosphate dehydrogenase 1; minus strand). Cytogenetic location: 7q32.1.
Variant type: single nucleotide variant.
Coding change: c.1800A>G on transcript NM_000883.4 (MANE Select); coding-DNA position 1800, A replaced by G.
Protein change: p.Ter600Trp.
Molecular consequence: stop lost.
Genome position (GRCh38, 1-based): chr7:128,393,007, T>C on the plus strand (A>G on the coding strand, the complement: IMPDH1 is on the minus strand). VCF-style: chr7-128393007-T-C. GRCh37 (hg19) VCF-style: chr7-128033061-T-C.
Other names: c.1770A>G, p.Ter590Trp (NM_001102605.2); c.1545A>G, p.Ter515Trp (NM_001142573.2); c.1530A>G, p.Ter510Trp (NM_001142574.2); c.1470A>G, p.Ter490Trp (NM_001142575.2); c.1701A>G, p.Ter567Trp (NM_001142576.2); c.1593A>G, p.Ter531Trp (NM_001304521.2); c.1692A>G, p.Ter564Trp (NM_183243.3).
Identifiers: ClinVar variation 1040093 (VCV001040093.7), dbSNP rs747314543, ClinGen allele CA4470697.